The following is an entry in ClinVar:

NM_019597.5(HNRNPH2):c.1077C>T (p.Leu359=)

Genes: HNRNPH2 (heterogeneous nuclear ribonucleoprotein H2; plus strand), RPL36A-HNRNPH2 (RPL36A-HNRNPH2 readthrough; plus strand). Cytogenetic location: Xq22.1.
Variant type: single nucleotide variant.
Coding change: c.1077C>T on transcript NM_019597.5 (MANE Select); coding-DNA position 1077, C replaced by T.
Protein change: p.Leu359=; no amino-acid change (leucine 359 retained).
Molecular consequence: synonymous variant. On other transcripts: 3 prime UTR variant (2).
Genome position (GRCh38, 1-based): chrX:101,413,065, C>T. VCF-style: chrX-101413065-C-T. GRCh37 (hg19) VCF-style: chrX-100668053-C-T.
Other names: c.*1073C>T (NM_001199973.2, NM_001199974.2); c.1077C>T, p.Leu359= (NM_001032393.3).
Identifiers: ClinVar variation 2661061 (VCV002661061.24), dbSNP rs782280483, ClinGen allele CA10473496.

ClinVar aggregate classification (germline): Likely benign (1 of 4 stars; one submission).

Allele frequency attached by ClinVar (database versions not stated): gnomAD exomes 0.00001; ExAC 0.00002.
gnomAD v4.1: 3 of 1,211,687 alleles (0.00025%); highest among the groups gnomAD compares: South Asian, 0.0035%; no homozygotes.

Submission:

CeGaT Center for Human Genetics Tuebingen
Classification: Likely benign. Last evaluated: 2026-02-01. Review status: criteria provided, single submitter. Criteria: CeGaT Center For Human Genetics Tuebingen Variant Classification Criteria Version 2. Collection method: clinical testing. Allele origin: germline. Affected: yes. Observed: 3 variant alleles.
Comment: HNRNPH2: BP4, BP7